The following is an entry in ClinVar:

ClinVar aggregate classification (germline): Benign. Review status: criteria provided, multiple submitters, no conflicts (2 of 4 stars). 3 submissions from 3 submitters: Benign (3). Last evaluated 2026-01-27.

Conditions:
Progressive encephalopathy with leukodystrophy due to DECR deficiency. Identifiers: Orphanet 431361, MedGen C1857252, MONDO:0014464, OMIM 616034.

Allele frequency attached by ClinVar (database versions not stated): gnomAD exomes 0.00315; ExAC 0.00733; ESP Exome Variant Server 0.02026; TOPMed 0.02804; 1000 Genomes Project 0.02915; 1000 Genomes Project 30x 0.03186.
gnomAD v4.1: 6,948 of 1,525,408 alleles (0.46%); highest among the groups gnomAD compares: African/African-American, 8.8%; 281 homozygotes.

Submissions (3):

Labcorp Genetics (formerly Invitae), Labcorp
Classification: Benign for Progressive encephalopathy with leukodystrophy due to DECR deficiency. Last evaluated: 2026-01-27. Review status: criteria provided, single submitter. Criteria: Invitae Variant Classification Sherloc (09022015). Collection method: clinical testing. Allele origin: germline.

GeneDx
Classification: Benign. Last evaluated: 2016-02-08. Review status: criteria provided, single submitter. Criteria: GeneDx Variant Classification (06012015). Collection method: clinical testing. Allele origin: germline. Affected: yes.
Comment: This variant is considered likely benign or benign based on one or more of the following criteria: it is a conservative change, it occurs at a poorly conserved position in the protein, it is predicted to be benign by multiple in silico algorithms, and/or has population frequency not consistent with disease.

Breakthrough Genomics
Classification: Benign. Review status: criteria provided, single submitter. Criteria: ACMG Guidelines, 2015. Collection method: not provided. Allele origin: germline. Inheritance: Autosomal recessive inheritance. Affected: yes.

NM_001085411.3(NADK2):c.210G>T (p.Arg70=)

Genes: NADK2 (NAD kinase 2, mitochondrial; minus strand), LOC129993801 (ATAC-STARR-seq lymphoblastoid silent region 15972; plus strand). Cytogenetic location: 5p13.2.
Variant type: single nucleotide variant.
Coding change: c.210G>T on transcript NM_001085411.3 (MANE Select); coding-DNA position 210, G replaced by T.
Protein change: p.Arg70=; no amino-acid change (arginine 70 retained).
Molecular consequence: synonymous variant. On other transcripts: intron variant (2).
Genome position (GRCh38, 1-based): chr5:36,241,589, C>A on the plus strand (G>T on the coding strand, the complement: NADK2 is on the minus strand). VCF-style: chr5-36241589-C-A. GRCh37 (hg19) VCF-style: chr5-36241691-C-A.
Other names: c.-190+507G>T (NM_153013.5, NM_001287341.2).
Identifiers: ClinVar variation 380096 (VCV000380096.13), dbSNP rs189482969, ClinGen allele CA3234798.